The following is an entry in ClinVar:

NM_000395.3(CSF2RB):c.1152+6G>A

Gene: CSF2RB (colony stimulating factor 2 receptor subunit beta; plus strand). Cytogenetic location: 22q12.3.
Variant type: single nucleotide variant.
Coding change: c.1152+6G>A on transcript NM_000395.3 (MANE Select); 6 bases into the intron after coding-DNA position 1152, G replaced by A.
Molecular consequence: intron variant.
Genome position (GRCh38, 1-based): chr22:36,932,910, G>A. VCF-style: chr22-36932910-G-A. GRCh37 (hg19) VCF-style: chr22-37328952-G-A.
Other names: c.1170+6G>A (NM_001410827.1).
Identifiers: ClinVar variation 3711950 (VCV003711950.2).

ClinVar aggregate classification (germline): Uncertain significance (1 of 4 stars; one submission).

Submission:

Labcorp Genetics (formerly Invitae), Labcorp
Classification: Uncertain significance. Last evaluated: 2024-09-17. Review status: criteria provided, single submitter. Criteria: Invitae Variant Classification Sherloc (09022015). Collection method: clinical testing. Allele origin: germline.
Comment: This sequence change falls in intron 9 of the CSF2RB gene. It does not directly change the encoded amino acid sequence of the CSF2RB protein. It affects a nucleotide within the consensus splice site. This variant is present in population databases (rs576939379, gnomAD 0.03%). This variant has not been reported in the literature in individuals affected with CSF2RB-related conditions. Variants that disrupt the consensus splice site are a relatively common cause of aberrant splicing (PMID: 17576681, 9536098). Algorithms developed to predict the effect of sequence changes on RNA splicing suggest that this variant is not likely to affect RNA splicing. In summary, the available evidence is currently insufficient to determine the role of this variant in disease. Therefore, it has been classified as a Variant of Uncertain Significance.

Literature cited by the submitters: PubMed 17576681; PubMed 9536098.